The following is an entry in ClinVar:

ClinVar aggregate classification (germline): Uncertain significance. Review status: criteria provided, multiple submitters, no conflicts (2 of 4 stars). 2 submissions from 2 submitters: Uncertain significance (2). Last evaluated 2025-06-24.

Conditions:
Malignant hyperthermia, susceptibility to, 5 (MHS5). Also called: CACNA1S-Related Malignant Hyperthermia Susceptibility. Identifiers: Orphanet 423, MedGen C1866077, MONDO:0011163, OMIM 601887.
Hypokalemic periodic paralysis, type 1. Also called: Hypokalemic Periodic Paralysis Type 1 (AD); HypoPP. Identifiers: Orphanet 681, MedGen C3714580, MONDO:0042979, OMIM 170400.

Allele frequency attached by ClinVar (database versions not stated): ExAC 0.00001; TOPMed 0.00003; gnomAD 0.00004.
gnomAD v4.1: 14 of 1,613,410 alleles (0.00087%); highest among the groups gnomAD compares: Non-Finnish European, 0.0012%; no homozygotes.

Submissions (2):

Color Diagnostics, LLC DBA Color Health
Classification: Uncertain significance for Malignant hyperthermia, susceptibility to, 5. Last evaluated: 2025-06-24. Review status: criteria provided, single submitter. Criteria: ACMG Guidelines, 2015. Collection method: clinical testing. Allele origin: germline.
Comment: This missense variant replaces serine with arginine at codon 46 of the CACNA1S protein. Computational prediction suggests that this variant may not impact protein structure and function. To our knowledge, functional studies have not been reported for this variant. This variant has not been reported in individuals affected with CACNA1S-related disorders in the literature. This variant has been identified in 4/282702 chromosomes in the general population by the Genome Aggregation Database (gnomAD). The available evidence is insufficient to determine the role of this variant in disease conclusively. Therefore, this variant is classified as a Variant of Uncertain Significance.

Labcorp Genetics (formerly Invitae), Labcorp
Classification: Uncertain significance for Hypokalemic periodic paralysis, type 1; Malignant hyperthermia, susceptibility to, 5. Last evaluated: 2025-03-21. Review status: criteria provided, single submitter. Criteria: Invitae Variant Classification Sherloc (09022015). Collection method: clinical testing. Allele origin: germline.
Comment: This sequence change replaces serine, which is neutral and polar, with arginine, which is basic and polar, at codon 46 of the CACNA1S protein (p.Ser46Arg). This variant is present in population databases (rs773923999, gnomAD 0.003%). This variant has not been reported in the literature in individuals affected with CACNA1S-related conditions. ClinVar contains an entry for this variant (Variation ID: 2182140). Invitae Evidence Modeling of protein sequence and biophysical properties (such as structural, functional, and spatial information, amino acid conservation, physicochemical variation, residue mobility, and thermodynamic stability) indicates that this missense variant is not expected to disrupt CACNA1S protein function with a negative predictive value of 95%. In summary, the available evidence is currently insufficient to determine the role of this variant in disease. Therefore, it has been classified as a Variant of Uncertain Significance.

NM_000069.3(CACNA1S):c.136A>C (p.Ser46Arg)

Gene: CACNA1S (calcium voltage-gated channel subunit alpha1 S; minus strand). Cytogenetic location: 1q32.1.
Variant type: single nucleotide variant.
Coding change: c.136A>C on transcript NM_000069.3 (MANE Select); coding-DNA position 136, A replaced by C.
Protein change: p.Ser46Arg; replaces serine 46 with arginine.
Molecular consequence: missense variant.
Genome position (GRCh38, 1-based): chr1:201,112,204, T>G on the plus strand (A>C on the coding strand, the complement: CACNA1S is on the minus strand). VCF-style: chr1-201112204-T-G. GRCh37 (hg19) VCF-style: chr1-201081332-T-G.
Other names: short protein forms S46R.
Identifiers: ClinVar variation 2182140 (VCV002182140.3), dbSNP rs773923999, ClinGen allele CA078166.
Genomic context (GRCh38, chr1:201,112,204, plus strand): 5'-TCATGACGCACACCCCCCCCCACGGCCCGGGCCCTGAAGGATACTTCCATTCTACAATGC[T>G]GATGCAGGCCTTCCTCAGGGGGTTCTCCAGGGTCAGGCAGAACAAGGCCCGGGGTGGCCT-3'
Protein context (NP_000060.2, residues 36-56): LENPLRKACI[Ser46Arg]IVEWKPFETI